The following is an entry in ClinVar:

NM_000432.4(MYL2):c.176T>A (p.Val59Glu)

Gene: MYL2 (myosin light chain 2; minus strand). Cytogenetic location: 12q24.11.
Variant type: single nucleotide variant.
Coding change: c.176T>A on transcript NM_000432.4 (MANE Select); coding-DNA position 176, T replaced by A.
Protein change: p.Val59Glu; replaces valine 59 with glutamic acid.
Molecular consequence: missense variant.
Genome position (GRCh38, 1-based): chr12:110,914,284, A>T on the plus strand (T>A on the coding strand, the complement: MYL2 is on the minus strand). VCF-style: chr12-110914284-A-T. GRCh37 (hg19) VCF-style: chr12-111352088-A-T.
Other names: short protein forms V59E.
Identifiers: ClinVar variation 924150 (VCV000924150.5), dbSNP rs2071674771, ClinGen allele CA386698858.

ClinVar aggregate classification (germline): Uncertain significance (1 of 4 stars; one submission).

Conditions:
Cardiomyopathy (CMYO). Also called: Cardiomyopathies. Identifiers: Orphanet 167848, MedGen C0878544, MONDO:0004994, HP:0001638. Inheritance: Various modes of inheritance.

Submission:

Color Diagnostics, LLC DBA Color Health
Classification: Uncertain significance for Cardiomyopathy. Last evaluated: 2023-12-04. Review status: criteria provided, single submitter. Criteria: ACMG Guidelines, 2015. Collection method: clinical testing. Allele origin: germline.
Comment: Variant of Uncertain Significance due to insufficient evidence: This missense variant replaces valine with glutamic acid at codon 59 of the MYL2 protein. Computational prediction tools and conservation analyses are inconclusive regarding the impact of this variant on the protein function. Computational splicing tools suggest that this variant may not impact RNA splicing. To our knowledge, functional assays have not been performed for this variant nor has this variant been reported in individuals affected with cardiovascular disorders in the literature. This variant is rare in the general population and has been identified in 0/277264 chromosomes by the Genome Aggregation Database (gnomAD). Available evidence is insufficient to determine the pathogenicity of this variant conclusively.